The following is an entry in ClinVar:

ClinVar aggregate classification (germline): Likely benign (1 of 4 stars; one submission).

Allele frequency attached by ClinVar (database versions not stated): 1000 Genomes Project 30x 0.00016; ExAC 0.00108; TOPMed 0.00158; gnomAD 0.00181; gnomAD exomes 0.00202.

Submission:

CeGaT Center for Human Genetics Tuebingen
Classification: Likely benign. Last evaluated: 2022-03-01. Review status: criteria provided, single submitter. Criteria: CeGaT Center For Human Genetics Tuebingen Variant Classification Criteria Version 2. Collection method: clinical testing. Allele origin: germline. Affected: yes. Observed: 1 variant allele.
Comment: C3orf80: BP4, BP7

NM_001168214.2(C3orf80):c.690A>G (p.Arg230=)

Gene: C3orf80 (chromosome 3 open reading frame 80; plus strand). Cytogenetic location: 3q25.33.
Variant type: single nucleotide variant.
Coding change: c.690A>G on transcript NM_001168214.2 (MANE Select); coding-DNA position 690, A replaced by G.
Protein change: p.Arg230=; no amino-acid change (arginine 230 retained).
Molecular consequence: synonymous variant.
Genome position (GRCh38, 1-based): chr3:160,226,325, A>G. VCF-style: chr3-160226325-A-G. GRCh37 (hg19) VCF-style: chr3-159944112-A-G.
Identifiers: ClinVar variation 2654257 (VCV002654257.24), dbSNP rs770643668, ClinGen allele CA2684892.